The following is an entry in ClinVar:

NM_001244008.2(KIF1A):c.3466-9_3466-8delinsTT

Gene: KIF1A (kinesin family member 1A; minus strand). Cytogenetic location: 2q37.3.
Variant type: Indel.
Coding change: c.3466-9_3466-8delinsTT on transcript NM_001244008.2 (MANE Select); 9 bases into the intron before coding-DNA position 3466 through 8 bases into the intron before coding-DNA position 3466, GC replaced by TT.
Molecular consequence: intron variant.
Genome position (GRCh38, 1-based): chr2:240,744,068-240,744,069, GC replaced by AA on the plus strand (GC replaced by TT on the coding strand, the reverse complement: KIF1A is on the minus strand). VCF-style: chr2-240744068-GC-AA. GRCh37 (hg19) VCF-style: chr2-241683485-GC-AA.
Other names: c.3163-9_3163-8delinsTT (NM_001379653.1, NM_001379650.1, NM_001379641.1 and 5 more transcripts); c.3439-9_3439-8delinsTT (NM_001379645.1, NM_001379633.1, NM_001379642.1); c.3265-9_3265-8delinsTT (NM_001379635.1, NM_001330290.2, NM_001379646.1 and 1 more transcripts); c.3160-9_3160-8delinsTT (NM_001379640.1); c.3415-9_3415-8delinsTT (NM_001379632.1); c.3238-9_3238-8delinsTT (NM_001379637.1, NM_001379648.1); c.3190-9_3190-8delinsTT (NM_001320705.2, NM_001379638.1, NM_001330289.2); c.3541-9_3541-8delinsTT (NM_001379631.1).
Identifiers: ClinVar variation 515453 (VCV000515453.1), dbSNP rs1553629930, ClinGen allele CA658796212.

ClinVar aggregate classification (germline): Likely benign (1 of 4 stars; one submission).

Submission:

GeneDx
Classification: Likely benign. Last evaluated: 2018-02-05. Review status: criteria provided, single submitter. Criteria: GeneDx Variant Classification (06012015). Collection method: clinical testing. Allele origin: germline. Affected: yes.
Comment: This variant is considered likely benign or benign based on one or more of the following criteria: it is a conservative change, it occurs at a poorly conserved position in the protein, it is predicted to be benign by multiple in silico algorithms, and/or has population frequency not consistent with disease.